The following is an entry in ClinVar:

NM_001330700.2(TOP2B):c.1237T>G (p.Cys413Gly)

Gene: TOP2B (DNA topoisomerase II beta; minus strand). Cytogenetic location: 3p24.2.
Variant type: single nucleotide variant.
Coding change: c.1237T>G on transcript NM_001330700.2 (MANE Select); coding-DNA position 1237, T replaced by G.
Protein change: p.Cys413Gly; replaces cysteine 413 with glycine.
Molecular consequence: missense variant.
Genome position (GRCh38, 1-based): chr3:25,632,475, A>C on the plus strand (T>G on the coding strand, the complement: TOP2B is on the minus strand). VCF-style: chr3-25632475-A-C. GRCh37 (hg19) VCF-style: chr3-25673966-A-C.
Other names: c.1222T>G, p.Cys408Gly (NM_001068.3); short protein forms C408G, C413G.
Identifiers: ClinVar variation 4804505 (VCV004804505.1).

ClinVar aggregate classification (germline): Uncertain significance (1 of 4 stars; one submission).

gnomAD v4.1: 1 of 1,577,628 alleles (0.000063%); highest among the groups gnomAD compares: Non-Finnish European, 0.000086%; no homozygotes.

Submission:

Labcorp Genetics (formerly Invitae), Labcorp
Classification: Uncertain significance. Last evaluated: 2025-05-10. Review status: criteria provided, single submitter. Criteria: Invitae Variant Classification Sherloc (09022015). Collection method: clinical testing. Allele origin: germline.
Comment: This sequence change replaces cysteine, which is neutral and slightly polar, with glycine, which is neutral and non-polar, at codon 408 of the TOP2B protein (p.Cys408Gly). This variant is present in population databases (rs773404223, gnomAD 0.001%). This variant has not been reported in the literature in individuals affected with TOP2B-related conditions. An algorithm developed to predict the effect of missense changes on protein structure and function (PolyPhen-2) suggests that this variant is likely to be tolerated. In summary, the available evidence is currently insufficient to determine the role of this variant in disease. Therefore, it has been classified as a Variant of Uncertain Significance.